The following is an entry in ClinVar:

ClinVar aggregate classification (germline): Uncertain significance (0 of 4 stars; one submission).

Conditions:
NCOA1-related disorder. Also called: NCOA1-related condition.

Submission:

PreventionGenetics, part of Exact Sciences
Classification: Uncertain significance for NCOA1-related condition. Last evaluated: 2024-01-04. Review status: no assertion criteria provided. Collection method: clinical testing. Allele origin: germline.
Comment: The NCOA1 c.1690A>G variant is predicted to result in the amino acid substitution p.Met564Val. To our knowledge, this variant has not been reported in the literature or in a large population database, indicating this variant is rare. At this time, the clinical significance of this variant is uncertain due to the absence of conclusive functional and genetic evidence.

NM_003743.5(NCOA1):c.1690A>G (p.Met564Val)

Gene: NCOA1 (nuclear receptor coactivator 1; plus strand). Cytogenetic location: 2p23.3.
Variant type: single nucleotide variant.
Coding change: c.1690A>G on transcript NM_003743.5 (MANE Select); coding-DNA position 1690, A replaced by G.
Protein change: p.Met564Val; replaces methionine 564 with valine.
Molecular consequence: missense variant.
Genome position (GRCh38, 1-based): chr2:24,707,160, A>G. VCF-style: chr2-24707160-A-G. GRCh37 (hg19) VCF-style: chr2-24930029-A-G.
Other names: c.1690A>G, p.Met564Val (NM_001362950.1, NM_001362952.1, NM_001362954.1 and 3 more transcripts); short protein forms M564V.
Identifiers: ClinVar variation 3046245 (VCV003046245.2), dbSNP rs2465822831, ClinGen allele CA346049295.
Genomic context (GRCh38, chr2:24,707,160, plus strand): 5'-ATGAATGAAGGACCCAATAACTCCGTTGGCTTCTCTGCCAGTTCTCCAGTCCTCAGGCAG[A>G]TGAGCTCACAGAATTCACCTAGCAGATTAAATATACAACCAGCAAAAGCTGAGTCCAAAG-3'
Protein context (NP_003734.3, residues 554-574): FSASSPVLRQ[Met564Val]SSQNSPSRLN